The following is an entry in ClinVar:

NM_053025.4(MYLK):c.5707G>C (p.Glu1903Gln)

Genes: MYLK (myosin light chain kinase; minus strand), MYLK-AS1 (MYLK antisense RNA 1; plus strand). Cytogenetic location: 3q21.1.
Variant type: single nucleotide variant.
Coding change: c.5707G>C on transcript NM_053025.4 (MANE Select); coding-DNA position 5707, G replaced by C.
Protein change: p.Glu1903Gln; replaces glutamic acid 1903 with glutamine.
Molecular consequence: missense variant.
Genome position (GRCh38, 1-based): chr3:123,614,143, C>G on the plus strand (G>C on the coding strand, the complement: MYLK is on the minus strand). VCF-style: chr3-123614143-C-G. GRCh37 (hg19) VCF-style: chr3-123332990-C-G.
Other names: c.5179G>C, p.Glu1727Gln (NM_001321309.2); c.5347G>C, p.Glu1783Gln (NM_053028.4); c.424G>C, p.Glu142Gln (NM_053031.4); c.5500G>C, p.Glu1834Gln (NM_053026.4); c.5554G>C, p.Glu1852Gln (NM_053027.4); c.427G>C, p.Glu143Gln (NM_053032.4); short protein forms E142Q, E143Q, E1852Q, E1783Q, E1727Q, E1834Q, E1903Q.
Identifiers: ClinVar variation 3297622 (VCV003297622.1).

ClinVar aggregate classification (germline): Uncertain significance (1 of 4 stars; one submission).

Conditions:
Familial thoracic aortic aneurysm and aortic dissection (TAAD). Also called: Thoracic aortic aneurysms and dissections. Identifiers: Orphanet 91387, MedGen C4707243, MONDO:0019625.

Submission:

Ambry Genetics
Classification: Uncertain significance for Familial thoracic aortic aneurysm and aortic dissection. Last evaluated: 2024-06-18. Review status: criteria provided, single submitter. Criteria: Ambry Variant Classification Scheme 2023. Collection method: clinical testing. Allele origin: germline.
Comment: The p.E1903Q variant (also known as c.5707G>C), located in coding exon 31 of the MYLK gene, results from a G to C substitution at nucleotide position 5707. The glutamic acid at codon 1903 is replaced by glutamine, an amino acid with highly similar properties. This amino acid position is conserved. In addition, this alteration is predicted to be tolerated by in silico analysis. Based on the available evidence, the clinical significance of this variant remains unclear.